The following is an entry in ClinVar:

NM_016406.4(UFC1):c.332+3A>G

Gene: UFC1 (ubiquitin-fold modifier conjugating enzyme 1; plus strand). Cytogenetic location: 1q23.3.
Variant type: single nucleotide variant.
Coding change: c.332+3A>G on transcript NM_016406.4 (MANE Select); 3 bases into the intron after coding-DNA position 332, A replaced by G.
Molecular consequence: intron variant.
Genome position (GRCh38, 1-based): chr1:161,157,696, A>G. VCF-style: chr1-161157696-A-G. GRCh37 (hg19) VCF-style: chr1-161127486-A-G.
Identifiers: ClinVar variation 4818907 (VCV004818907.1).

ClinVar aggregate classification (germline): Uncertain significance (1 of 4 stars; one submission).

gnomAD v4.1: 5 of 1,612,972 alleles (0.00031%); highest among the groups gnomAD compares: South Asian, 0.0055%; no homozygotes.

Submission:

GeneDx
Classification: Uncertain significance. Last evaluated: 2025-09-26. Review status: criteria provided, single submitter. Criteria: GeneDx Variant Classification Process June 2021. Collection method: clinical testing. Allele origin: germline. Affected: yes.
Comment: Not observed at significant frequency in large population cohorts (gnomAD); In silico analysis is inconclusive as to whether the variant alters gene splicing. In the absence of RNA/functional studies, the actual effect of this sequence change is unknown.; Has not been previously published as pathogenic or benign to our knowledge